The following is an entry in ClinVar:

NM_000098.3(CPT2):c.155T>C (p.Leu52Pro)

Gene: CPT2 (carnitine palmitoyltransferase 2; plus strand). Cytogenetic location: 1p32.3.
Variant type: single nucleotide variant.
Coding change: c.155T>C on transcript NM_000098.3 (MANE Select); coding-DNA position 155, T replaced by C.
Protein change: p.Leu52Pro; replaces leucine 52 with proline.
Molecular consequence: missense variant.
Genome position (GRCh38, 1-based): chr1:53,200,721, T>C. VCF-style: chr1-53200721-T-C. GRCh37 (hg19) VCF-style: chr1-53666393-T-C.
Other names: c.155T>C, p.Leu52Pro (NM_001330589.2); short protein forms L52P.
Identifiers: ClinVar variation 2005112 (VCV002005112.1), dbSNP rs2525566739, ClinGen allele CA340389007.

ClinVar aggregate classification (germline): Uncertain significance (1 of 4 stars; one submission).

Conditions:
Carnitine palmitoyltransferase II deficiency. Also called: Carnitine Palmitoyltransferase 2 Deficiency. Identifiers: Orphanet 157, MedGen C0342790, MONDO:0015515.

Submission:

Labcorp Genetics (formerly Invitae), Labcorp
Classification: Uncertain significance for Carnitine palmitoyltransferase II deficiency. Last evaluated: 2022-06-12. Review status: criteria provided, single submitter. Criteria: Invitae Variant Classification Sherloc (09022015). Collection method: clinical testing. Allele origin: germline.
Comment: This sequence change replaces leucine, which is neutral and non-polar, with proline, which is neutral and non-polar, at codon 52 of the CPT2 protein (p.Leu52Pro). This variant is not present in population databases (gnomAD no frequency). This variant has not been reported in the literature in individuals affected with CPT2-related conditions. Algorithms developed to predict the effect of missense changes on protein structure and function (SIFT, PolyPhen-2, Align-GVGD) all suggest that this variant is likely to be disruptive. In summary, the available evidence is currently insufficient to determine the role of this variant in disease. Therefore, it has been classified as a Variant of Uncertain Significance.